The following is an entry in ClinVar:

NM_023110.3(FGFR1):c.2209T>C (p.Trp737Arg)

Gene: FGFR1 (fibroblast growth factor receptor 1; minus strand). Cytogenetic location: 8p11.23.
Variant type: single nucleotide variant.
Coding change: c.2209T>C on transcript NM_023110.3 (MANE Select); coding-DNA position 2209, T replaced by C.
Protein change: p.Trp737Arg; replaces tryptophan 737 with arginine.
Molecular consequence: missense variant.
Genome position (GRCh38, 1-based): chr8:38,414,001, A>G on the plus strand (T>C on the coding strand, the complement: FGFR1 is on the minus strand). VCF-style: chr8-38414001-A-G. GRCh37 (hg19) VCF-style: chr8-38271519-A-G.
Other names: c.2203T>C, p.Trp735Arg (NM_001174063.2, NM_001174065.2, NM_001354367.2 and 1 more transcripts); c.2179T>C, p.Trp727Arg (NM_001174064.2); c.1942T>C, p.Trp648Arg (NM_001174066.2, NM_023105.3); c.2302T>C, p.Trp768Arg (NM_001174067.2); c.1930T>C, p.Trp644Arg (NM_001354368.2); c.2197T>C, p.Trp733Arg (NM_001354369.2); c.1936T>C, p.Trp646Arg (NM_001354370.2, NM_023106.3); short protein forms W737R, W733R, W768R, W644R, W648R, W727R, W735R, W646R.
Identifiers: ClinVar variation 180162 (VCV000180162.2), dbSNP rs727505377, ClinGen allele CA185896.

ClinVar aggregate classification (germline): Likely pathogenic. Review status: criteria provided, multiple submitters, no conflicts (2 of 4 stars). 2 submissions from 2 submitters: Likely pathogenic (2). Last evaluated 2023-05-04.

Conditions:
Hypogonadotropic hypogonadism 2 with or without anosmia (HH2). Also called: HYPOGONADOTROPIC HYPOGONADISM 2 WITHOUT ANOSMIA; FGFR1-Related GnRH Deficiency (Kallmann Syndrome 2); HYPOGONADOTROPIC HYPOGONADISM 2 WITH OR WITHOUT ANOSMIA, SUSCEPTIBILITY TO; HYPOGONADOTROPIC HYPOGONADISM 2 WITHOUT ANOSMIA, SUSCEPTIBILITY TO. Identifiers: Orphanet 478, MedGen C1563720, MONDO:0007844, OMIM 147950. Disease mechanism: loss of function.
Hypogonadotropic hypogonadism 7 with or without anosmia (HH7). Also called: GNRHR-Related GnRH Deficiency; HYPOGONADOTROPIC HYPOGONADISM 7 WITHOUT ANOSMIA. Identifiers: Orphanet 432, MedGen C0342384, MONDO:0007794, OMIM 146110.

Submissions (2):

Reproductive Endocrine Unit, Massachusetts General Hospital
Classification: Likely pathogenic for Hypogonadotropic hypogonadism 2 with or without anosmia. Last evaluated: 2023-05-04. Review status: criteria provided, single submitter. Criteria: ACMG Guidelines, 2015. Collection method: research. Allele origin: de novo. Affected: yes. Observed: 1 variant allele.
Comment: The variant has been classified as LP5 based on the variant meeting the following ACMG Criteria: PM6,PM2,PP3,PP2.

Chan Lab, Boston Children's Hospital
Classification: Likely pathogenic for Hypogonadotrophic hypogonadism. Last evaluated: 2014-11-01. Review status: criteria provided, single submitter. Criteria: Submitter's publication. Collection method: case-control. Allele origin: de novo. Affected: yes. Observed: 1 variant allele.